The following is an entry in ClinVar:

ClinVar aggregate classification (germline): Uncertain significance. Review status: criteria provided, multiple submitters, no conflicts (2 of 4 stars). 2 submissions from 2 submitters: Uncertain significance (2). Last evaluated 2025-10-08.

Conditions:
Noonan syndrome 9 (NS9). Identifiers: Orphanet 648, MedGen C4225282, MONDO:0014691, OMIM 616559.
Cardiovascular phenotype. Identifiers: MedGen CN230736.

Allele frequency attached by ClinVar (database versions not stated): TOPMed below 0.00001.

Submissions (2):

Labcorp Genetics (formerly Invitae), Labcorp
Classification: Uncertain significance for Noonan syndrome 9. Last evaluated: 2025-10-08. Review status: criteria provided, single submitter. Criteria: Invitae Variant Classification Sherloc (09022015). Collection method: clinical testing. Allele origin: germline.
Comment: This sequence change replaces aspartic acid, which is acidic and polar, with glutamic acid, which is acidic and polar, at codon 579 of the SOS2 protein (p.Asp579Glu). This variant is not present in population databases (gnomAD no frequency). This variant has not been reported in the literature in individuals affected with SOS2-related conditions. ClinVar contains an entry for this variant (Variation ID: 2625427). Invitae Evidence Modeling of protein sequence and biophysical properties (such as structural, functional, and spatial information, amino acid conservation, physicochemical variation, residue mobility, and thermodynamic stability) has been performed for this missense variant. However, the output from this modeling did not meet the statistical confidence thresholds required to predict the impact of this variant on SOS2 protein function. In summary, the available evidence is currently insufficient to determine the role of this variant in disease. Therefore, it has been classified as a Variant of Uncertain Significance.

Ambry Genetics
Classification: Uncertain significance for Cardiovascular phenotype. Last evaluated: 2023-06-22. Review status: criteria provided, single submitter. Criteria: Ambry Variant Classification Scheme 2023. Collection method: clinical testing. Allele origin: germline.
Comment: The p.D579E variant (also known as c.1737C>G), located in coding exon 10 of the SOS2 gene, results from a C to G substitution at nucleotide position 1737. The aspartic acid at codon 579 is replaced by glutamic acid, an amino acid with highly similar properties. This amino acid position is conserved. In addition, the in silico prediction for this alteration is inconclusive. Since supporting evidence is limited at this time, the clinical significance of this alteration remains unclear.

NM_006939.4(SOS2):c.1737C>G (p.Asp579Glu)

Gene: SOS2 (SOS Ras/Rho guanine nucleotide exchange factor 2; minus strand). Cytogenetic location: 14q21.3.
Variant type: single nucleotide variant.
Coding change: c.1737C>G on transcript NM_006939.4 (MANE Select); coding-DNA position 1737, C replaced by G.
Protein change: p.Asp579Glu; replaces aspartic acid 579 with glutamic acid.
Molecular consequence: missense variant.
Genome position (GRCh38, 1-based): chr14:50,159,546, G>C on the plus strand (C>G on the coding strand, the complement: SOS2 is on the minus strand). VCF-style: chr14-50159546-G-C. GRCh37 (hg19) VCF-style: chr14-50626264-G-C.
Other names: c.1638C>G, p.Asp546Glu (NM_001411020.1); short protein forms D579E, D546E.
Identifiers: ClinVar variation 2625427 (VCV002625427.3), dbSNP rs1884929703, ClinGen allele CA389645092.